The following is an entry in ClinVar:

ClinVar aggregate classification (germline): Uncertain significance (1 of 4 stars; one submission).

Conditions:
Tay-Sachs disease (TSD). Also called: HEXA DEFICIENCY; GM2 gangliosidosis, type 1; Hexosaminidase alpha-subunit deficiency (variant B); Sphingolipidosis, Tay-Sachs; Hexosaminidase A Deficiency; HEXA Disorders. Identifiers: Orphanet 845, MedGen C0039373, MONDO:0010100, OMIM 272800.

Submission:

Labcorp Genetics (formerly Invitae), Labcorp
Classification: Uncertain significance for Tay-Sachs disease. Last evaluated: 2022-06-16. Review status: criteria provided, single submitter. Criteria: Invitae Variant Classification Sherloc (09022015). Collection method: clinical testing. Allele origin: germline.
Comment: This sequence change falls in intron 11 of the HEXA gene. It does not directly change the encoded amino acid sequence of the HEXA protein. It affects a nucleotide within the consensus splice site. In summary, the available evidence is currently insufficient to determine the role of this variant in disease. Therefore, it has been classified as a Variant of Uncertain Significance. Variants that disrupt the consensus splice site are a relatively common cause of aberrant splicing (PMID: 17576681, 9536098). Algorithms developed to predict the effect of sequence changes on RNA splicing suggest that this variant may create or strengthen a splice site. This variant has not been reported in the literature in individuals affected with HEXA-related conditions. This variant is not present in population databases (gnomAD no frequency).

Literature cited by the submitters: PubMed 17576681; PubMed 9536098.

NM_000520.6(HEXA):c.1330+4A>T

Gene: HEXA (hexosaminidase subunit alpha; minus strand). Cytogenetic location: 15q23.
Variant type: single nucleotide variant.
Coding change: c.1330+4A>T on transcript NM_000520.6 (MANE Select); 4 bases into the intron after coding-DNA position 1330, A replaced by T.
Molecular consequence: intron variant.
Genome position (GRCh38, 1-based): chr15:72,346,523, T>A on the plus strand (A>T on the coding strand, the complement: HEXA is on the minus strand). VCF-style: chr15-72346523-T-A. GRCh37 (hg19) VCF-style: chr15-72638864-T-A.
Other names: c.1363+4A>T (NM_001318825.2).
Identifiers: ClinVar variation 2007383 (VCV002007383.4), dbSNP rs2542513806, ClinGen allele CA491116808.
Genomic context (GRCh38, chr15:72,346,523, plus strand): 5'-TGCCTCCCATCCTGTGCCCCAACCCAGCCTCCTTTGGTTAGCAAGGAGAGCTCTCTGCTT[T>A]CACCTTCAAATGCCAGGGGTTCCACTATGTAGAAATCCTTCCAGTCAGGGCCATAGGATA-3'